The following is an entry in ClinVar:

NM_007118.4(TRIO):c.3802A>G (p.Ile1268Val)

Gene: TRIO (trio Rho guanine nucleotide exchange factor; plus strand). Cytogenetic location: 5p15.2.
Variant type: single nucleotide variant.
Coding change: c.3802A>G on transcript NM_007118.4 (MANE Select); coding-DNA position 3802, A replaced by G.
Protein change: p.Ile1268Val; replaces isoleucine 1268 with valine.
Molecular consequence: missense variant. On other transcripts: non-coding transcript variant (1).
Genome position (GRCh38, 1-based): chr5:14,387,768, A>G. VCF-style: chr5-14387768-A-G. GRCh37 (hg19) VCF-style: chr5-14387877-A-G.
Other names: c.3802A>G (NM_007118.2); short protein forms I1268V.
Identifiers: ClinVar variation 2655325 (VCV002655325.25), dbSNP rs1746674920, ClinGen allele CA359226581.

ClinVar aggregate classification (germline): Uncertain significance. Review status: criteria provided, multiple submitters, no conflicts (2 of 4 stars). 2 submissions from 2 submitters: Uncertain significance (2). Last evaluated 2024-03-21.

Allele frequency attached by ClinVar (database versions not stated): gnomAD exomes below 0.00001; TOPMed below 0.00001.
gnomAD v4.1: 2 of 1,614,256 alleles (0.00012%); highest among the groups gnomAD compares: East Asian, 0.0022%; no homozygotes.

Submissions (2):

GeneDx
Classification: Uncertain significance. Last evaluated: 2024-03-21. Review status: criteria provided, single submitter. Criteria: GeneDx Variant Classification Process June 2021. Collection method: clinical testing. Allele origin: germline. Affected: yes.
Comment: Has not been previously published as pathogenic or benign to our knowledge; Not observed at significant frequency in large population cohorts (gnomAD); In silico analysis supports that this missense variant does not alter protein structure/function

CeGaT Center for Human Genetics Tuebingen
Classification: Uncertain significance. Last evaluated: 2023-10-01. Review status: criteria provided, single submitter. Criteria: CeGaT Center For Human Genetics Tuebingen Variant Classification Criteria Version 2. Collection method: clinical testing. Allele origin: germline. Affected: yes. Observed: 1 variant allele.
Comment: TRIO: PM2, BP4